The following is an entry in ClinVar:

ClinVar aggregate classification (germline): Pathogenic/Likely pathogenic. Review status: criteria provided, multiple submitters, no conflicts (2 of 4 stars). 2 submissions from 2 submitters: Pathogenic (1); Likely pathogenic (1). Last evaluated 2025-09-03.

Conditions:
Hypercholesterolemia, autosomal dominant, type B (FHCL2). Also called: Hyperlipoproteinemia Type IIb; Familial hypercholesterolemia 2; APOB-Related Familial Hypercholesterolemia, Autosomal Dominant; Familial Hypercholesterolemia Type B; APOLIPOPROTEIN B-100, FAMILIAL DEFECTIVE; APOLIPOPROTEIN B-100, FAMILIAL LIGAND-DEFECTIVE. Identifiers: MedGen C1704417, MONDO:0007751, OMIM 144010.
Familial hypobetalipoproteinemia 1. Also called: Hypobetalipoproteinemia, normotriglyceridemic; Acanthocytosis with hypobetalipoproteinemia; APOB-Related Familial Hypobetalipoproteinemia. Identifiers: MedGen C4551990, MONDO:0014252, OMIM 615558.

Allele frequency attached by ClinVar (database versions not stated): gnomAD exomes below 0.00001.

Submissions (2):

Labcorp Genetics (formerly Invitae), Labcorp
Classification: Pathogenic for Familial hypobetalipoproteinemia 1; Hypercholesterolemia, autosomal dominant, type B. Last evaluated: 2025-09-03. Review status: criteria provided, single submitter. Criteria: Invitae Variant Classification Sherloc (09022015). Collection method: clinical testing. Allele origin: germline.
Comment: This sequence change creates a premature translational stop signal (p.Asn1772Lysfs*23) in the APOB gene. It is expected to result in an absent or disrupted protein product. Loss-of-function variants in APOB are known to be pathogenic (PMID: 20032471). This variant is not present in population databases (gnomAD no frequency). This variant has not been reported in the literature in individuals affected with APOB-related conditions. ClinVar contains an entry for this variant (Variation ID: 838558). For these reasons, this variant has been classified as Pathogenic.

Revvity Omics, Revvity
Classification: Likely pathogenic. Last evaluated: 2022-05-24. Review status: criteria provided, single submitter. Criteria: ACMG Guidelines, 2015. Collection method: clinical testing. Allele origin: germline.

Literature cited by the submitters: PubMed 20032471 (cited by Labcorp Genetics (formerly Invitae), Labcorp).

NM_000384.3(APOB):c.5316del (p.Asn1772fs)

Gene: APOB (apolipoprotein B; minus strand). Cytogenetic location: 2p24.1.
Variant type: Deletion.
Coding change: c.5316del on transcript NM_000384.3 (MANE Select); coding-DNA position 5316, one base deleted (C; older notation c.5316delC).
Protein change: p.Asn1772fs; shifts the reading frame from asparagine 1772.
Molecular consequence: frameshift variant.
Genome position (GRCh38, 1-based): chr2:21,011,552, G deleted on the plus strand (C on the coding strand, the reverse complement: APOB is on the minus strand). VCF-style (leftmost placement, unchanged base first): chr2-21011551-TG-T. GRCh37 (hg19) VCF-style: chr2-21234423-TG-T.
Other names: short protein forms N1772fs.
Identifiers: ClinVar variation 838558 (VCV000838558.53), dbSNP rs1663321162, ClinGen allele CA913203398.
Genomic context (GRCh38, chr2:21,011,551, plus strand): 5'-GAGAATAGGGCTGTAGCTGTAAATTAACAGTTTGCTTATAAAACTTGTCAGAGCTGTAAA[TG>T]TTGTCAAGTTTTGAAGAGAAGTCCAGTGATAAGCCTGCAATGTTCAGACTGTTTGTGTGG-3'